The following is an entry in ClinVar:

ClinVar aggregate classification (germline): Uncertain significance (1 of 4 stars; one submission).

Submission:

GeneDx
Classification: Uncertain significance. Last evaluated: 2025-05-07. Review status: criteria provided, single submitter. Criteria: GeneDx Variant Classification Process June 2021. Collection method: clinical testing. Allele origin: germline. Affected: yes.
Comment: Not observed at significant frequency in large population cohorts (gnomAD); In silico analysis supports that this missense variant has a deleterious effect on protein structure/function; Has not been previously published as pathogenic or benign to our knowledge

NM_016604.4(KDM3B):c.2737A>C (p.Lys913Gln)

Gene: KDM3B (lysine demethylase 3B; plus strand). Cytogenetic location: 5q31.2.
Variant type: single nucleotide variant.
Coding change: c.2737A>C on transcript NM_016604.4 (MANE Select); coding-DNA position 2737, A replaced by C.
Protein change: p.Lys913Gln; replaces lysine 913 with glutamine.
Molecular consequence: missense variant.
Genome position (GRCh38, 1-based): chr5:138,393,278, A>C. VCF-style: chr5-138393278-A-C. GRCh37 (hg19) VCF-style: chr5-137728967-A-C.
Other names: short protein forms K913Q.
Identifiers: ClinVar variation 4528185 (VCV004528185.1).